The following is an entry in ClinVar:

NM_001851.6(COL9A1):c.1178del (p.Pro393fs)

Genes: COL9A1 (collagen type IX alpha 1 chain; minus strand), LOC129996692 (ATAC-STARR-seq lymphoblastoid active region 24730; plus strand). Cytogenetic location: 6q13.
Variant type: Deletion.
Coding change: c.1178del on transcript NM_001851.6 (MANE Select); coding-DNA position 1178, one base deleted (C; older notation c.1178delC).
Protein change: p.Pro393fs; shifts the reading frame from proline 393.
Molecular consequence: frameshift variant. On other transcripts: non-coding transcript variant (1).
Genome position (GRCh38, 1-based): chr6:70,270,333, G deleted on the plus strand (C on the coding strand, the reverse complement: COL9A1 is on the minus strand); the first of 6 consecutive G bases (chr6:70,270,333-70,270,338); deleting any one gives the same sequence. VCF-style (leftmost placement, unchanged base first): chr6-70270332-AG-A. GRCh37 (hg19) VCF-style: chr6-70980035-AG-A.
Other names: c.1178delC (NM_001851.4); c.449del, p.Pro150fs (NM_001377289.1, NM_001377290.1, NM_078485.4); short protein forms P150fs, P393fs.
Identifiers: ClinVar variation 1076939 (VCV001076939.10), dbSNP rs1482734025, ClinGen allele CA450718647.

ClinVar aggregate classification (germline): Pathogenic/Likely pathogenic. Review status: criteria provided, multiple submitters, no conflicts (2 of 4 stars). 3 submissions from 3 submitters: Pathogenic (1); Likely pathogenic (2). Last evaluated 2025-04-17.

Conditions:
COL9A1-related disorder. Also called: COL9A1-related condition; COL9A1-related disorders.

Submissions (3):

Labcorp Genetics (formerly Invitae), Labcorp
Classification: Pathogenic. Last evaluated: 2025-04-17. Review status: criteria provided, single submitter. Criteria: Invitae Variant Classification Sherloc (09022015). Collection method: clinical testing. Allele origin: germline.
Comment: This sequence change creates a premature translational stop signal (p.Pro393Leufs*36) in the COL9A1 gene. It is expected to result in an absent or disrupted protein product. Loss-of-function variants in COL9A1 are known to be pathogenic (PMID: 16909383, 21421862). This variant is not present in population databases (gnomAD no frequency). This variant has not been reported in the literature in individuals affected with COL9A1-related conditions. ClinVar contains an entry for this variant (Variation ID: 1076939). For these reasons, this variant has been classified as Pathogenic.

PreventionGenetics, part of Exact Sciences
Classification: Likely pathogenic for COL9A1-related condition. Last evaluated: 2023-01-23. Review status: criteria provided, single submitter. Criteria: ACMG Guidelines, 2015. Collection method: clinical testing. Allele origin: germline.
Comment: The COL9A1 c.1178delC variant is predicted to result in a frameshift and premature protein termination (p.Pro393Leufs*36). To our knowledge, this variant has not been reported in the literature. This variant has not been reported in a large population database, indicating this variant is rare. Frameshift variants in COL9A1 are expected to be pathogenic. This variant is interpreted as likely pathogenic.

Blueprint Genetics
Classification: Likely pathogenic for COL9A1-related disorders. Last evaluated: 2018-05-23. Review status: criteria provided, single submitter. Criteria: ACMG Guidelines, 2015. Collection method: clinical testing. Allele origin: germline. Affected: yes. Observed: 1 variant allele.

Literature cited by the submitters: PubMed 16909383 (cited by Labcorp Genetics (formerly Invitae), Labcorp); PubMed 21421862 (cited by Labcorp Genetics (formerly Invitae), Labcorp).